The following is an entry in ClinVar:

NM_000891.3(KCNJ2):c.565A>G (p.Arg189Gly)

Gene: KCNJ2 (potassium inwardly rectifying channel subfamily J member 2; plus strand). Cytogenetic location: 17q24.3.
Variant type: single nucleotide variant.
Coding change: c.565A>G on transcript NM_000891.3 (MANE Select); coding-DNA position 565, A replaced by G.
Protein change: p.Arg189Gly; replaces arginine 189 with glycine.
Molecular consequence: missense variant.
Genome position (GRCh38, 1-based): chr17:70,175,604, A>G. VCF-style: chr17-70175604-A-G. GRCh37 (hg19) VCF-style: chr17-68171745-A-G.
Other names: short protein forms R189G.
Identifiers: ClinVar variation 429589 (VCV000429589.5), dbSNP rs1131691475, ClinGen allele CA400861029.
Genomic context (GRCh38, chr17:70,175,604, plus strand): 5'-TGCATCATCGATGCTTTCATCATTGGCGCAGTCATGGCCAAGATGGCAAAGCCAAAGAAG[A>G]GAAACGAGACTCTTGTCTTCAGTCACAATGCCGTGATTGCCATGAGAGACGGCAAGCTGT-3'
Protein context (NP_000882.1, residues 179-199): VMAKMAKPKK[Arg189Gly]NETLVFSHNA

ClinVar aggregate classification (germline): Likely pathogenic. Review status: criteria provided, multiple submitters, no conflicts (2 of 4 stars). 3 submissions from 3 submitters: Likely pathogenic (3). Last evaluated 2026-01-27.

Conditions:
KCNJ2-related disorder. Also called: KCNJ2-related condition.
Andersen Tawil syndrome (LQT7). Also called: Andersen Syndrome; LONG QT SYNDROME 7; Potassium-sensitive periodic paralysis, ventricular ectopy, and dysmorphic features; PERIODIC PARALYSIS, POTASSIUM-SENSITIVE CARDIODYSRHYTHMIC TYPE; ANDERSEN CARDIODYSRHYTHMIC PERIODIC PARALYSIS. Identifiers: Orphanet 37553, MedGen C1563715, MONDO:0008222, OMIM 170390.
Short QT syndrome type 3. Identifiers: Orphanet 51083, MedGen C1865018, MONDO:0012314, OMIM 609622.

Submissions (3):

Labcorp Genetics (formerly Invitae), Labcorp
Classification: Likely pathogenic for Short QT syndrome type 3; Andersen Tawil syndrome. Last evaluated: 2026-01-27. Review status: criteria provided, single submitter. Criteria: Invitae Variant Classification Sherloc (09022015). Collection method: clinical testing. Allele origin: germline.
Comment: This sequence change replaces arginine, which is basic and polar, with glycine, which is neutral and non-polar, at codon 189 of the KCNJ2 protein (p.Arg189Gly). This variant is not present in population databases (gnomAD no frequency). This variant has not been reported in the literature in individuals affected with KCNJ2-related conditions. ClinVar contains an entry for this variant (Variation ID: 429589). Invitae Evidence Modeling of protein sequence and biophysical properties (such as structural, functional, and spatial information, amino acid conservation, physicochemical variation, residue mobility, and thermodynamic stability) indicates that this missense variant is expected to disrupt KCNJ2 protein function with a positive predictive value of 95%. This variant disrupts the p.Arg189 amino acid residue in KCNJ2. Other variant(s) that disrupt this residue have been determined to be pathogenic (PMID: 12796536, 27145478; internal data). This suggests that this residue is clinically significant, and that variants that disrupt this residue are likely to be disease-causing. In summary, the currently available evidence indicates that the variant is pathogenic, but additional data are needed to prove that conclusively. Therefore, this variant has been classified as Likely Pathogenic.

GeneDx
Classification: Likely pathogenic. Last evaluated: 2024-03-05. Review status: criteria provided, single submitter. Criteria: GeneDx Variant Classification Process June 2021. Collection method: clinical testing. Allele origin: germline. Affected: yes.
Comment: Not observed at significant frequency in large population cohorts (gnomAD); In silico analysis supports that this missense variant has a deleterious effect on protein structure/function; Has not been previously published as pathogenic or benign to our knowledge; This variant is associated with the following publications: (PMID: 12796536, 15911703)

Blueprint Genetics
Classification: Likely pathogenic for KCNJ2-related disorders. Last evaluated: 2023-10-30. Review status: criteria provided, single submitter. Criteria: ACMG Guidelines, 2015. Collection method: clinical testing. Allele origin: germline. Affected: yes. Observed: 1 variant allele.

Literature cited by the submitters: PubMed 12796536 (cited by Labcorp Genetics (formerly Invitae), Labcorp); PubMed 27145478 (cited by Labcorp Genetics (formerly Invitae), Labcorp).